The following is an entry in ClinVar:

NM_182916.3(TRNT1):c.590G>A (p.Arg197Lys)

Gene: TRNT1 (tRNA nucleotidyl transferase 1; plus strand). Cytogenetic location: 3p26.2.
Variant type: single nucleotide variant.
Coding change: c.590G>A on transcript NM_182916.3 (MANE Select); coding-DNA position 590, G replaced by A.
Protein change: p.Arg197Lys; replaces arginine 197 with lysine.
Molecular consequence: missense variant. On other transcripts: non-coding transcript variant (8).
Genome position (GRCh38, 1-based): chr3:3,144,692, G>A. VCF-style: chr3-3144692-G-A. GRCh37 (hg19) VCF-style: chr3-3186376-G-A.
Other names: c.590G>A, p.Arg197Lys (NM_001302946.2, NM_001367321.1, NM_001367322.1 and 1 more transcripts); short protein forms R197K.
Identifiers: ClinVar variation 3025667 (VCV003025667.22), dbSNP rs1705875428, ClinGen allele CA351445288.

ClinVar aggregate classification (germline): Uncertain significance (1 of 4 stars; one submission).

Allele frequency attached by ClinVar (database versions not stated): TOPMed below 0.00001.

Submission:

CeGaT Center for Human Genetics Tuebingen
Classification: Uncertain significance. Last evaluated: 2024-02-01. Review status: criteria provided, single submitter. Criteria: CeGaT Center For Human Genetics Tuebingen Variant Classification Criteria Version 2. Collection method: clinical testing. Allele origin: germline. Affected: yes. Observed: 1 variant allele.
Comment: TRNT1: PM2, PP3